The following is an entry in ClinVar:

NM_001606.5(ABCA2):c.2382G>A (p.Ala794=)

Gene: ABCA2 (ATP binding cassette subfamily A member 2; minus strand). Cytogenetic location: 9q34.3.
Variant type: single nucleotide variant.
Coding change: c.2382G>A on transcript NM_001606.5 (MANE Select); coding-DNA position 2382, G replaced by A.
Protein change: p.Ala794=; no amino-acid change (alanine 794 retained).
Molecular consequence: synonymous variant.
Genome position (GRCh38, 1-based): chr9:137,017,522, C>T on the plus strand (G>A on the coding strand, the complement: ABCA2 is on the minus strand). VCF-style: chr9-137017522-C-T. GRCh37 (hg19) VCF-style: chr9-139911974-C-T.
Other names: c.2379G>A, p.Ala793= (NM_001411042.1); c.2472G>A, p.Ala824= (NM_212533.3).
Identifiers: ClinVar variation 3025041 (VCV003025041.23), dbSNP rs373098079, ClinGen allele CA5355118.
Genomic context (GRCh38, chr9:137,017,522, plus strand): 5'-GTGCCTGCCCCAGGTCCCTCCTACCATGGCCCGCGCTCACCAGAACATGATGGTGGCCAC[C>T]GCGTAGACTGCCAGGAAGAGCCAGATGATGACCACGTGGCTGTGCATAAGCACCTGGCCG-3'
Protein context (NP_001597.2, residues 784-804): VIIWLFLAVY[Ala794=]VATIMFCFLV

ClinVar aggregate classification (germline): Likely benign. Review status: criteria provided, multiple submitters, no conflicts (2 of 4 stars). 2 submissions from 2 submitters: Likely benign (2). Last evaluated 2024-07-01.

Allele frequency attached by ClinVar (database versions not stated): gnomAD 0.00001; ExAC 0.00002.
gnomAD v4.1: 27 of 1,609,650 alleles (0.0017%); highest among the groups gnomAD compares: Middle Eastern, 0.017%; no homozygotes.

Submissions (2):

Blueprint Genetics
Classification: Likely benign. Last evaluated: 2024-07-01. Review status: criteria provided, single submitter. Criteria: ACMG Guidelines, 2015. Collection method: clinical testing. Allele origin: germline.

CeGaT Center for Human Genetics Tuebingen
Classification: Likely benign. Last evaluated: 2024-01-01. Review status: criteria provided, single submitter. Criteria: CeGaT Center For Human Genetics Tuebingen Variant Classification Criteria Version 2. Collection method: clinical testing. Allele origin: germline. Affected: yes. Observed: 1 variant allele.
Comment: ABCA2: BP4, BP7